The following is an entry in ClinVar:

ClinVar aggregate classification (germline): Uncertain significance (1 of 4 stars; one submission).

Conditions:
Neuroblastoma, susceptibility to, 3. Also called: ALK-Related Neuroblastic Tumor Susceptibility. Identifiers: Orphanet 635, MedGen C2751681, MONDO:0013083, OMIM 613014.

Submission:

Labcorp Genetics (formerly Invitae), Labcorp
Classification: Uncertain significance for Neuroblastoma, susceptibility to, 3. Last evaluated: 2021-10-31. Review status: criteria provided, single submitter. Criteria: Invitae Variant Classification Sherloc (09022015). Collection method: clinical testing. Allele origin: germline.
Comment: In summary, the available evidence is currently insufficient to determine the role of this variant in disease. Therefore, it has been classified as a Variant of Uncertain Significance. Algorithms developed to predict the effect of missense changes on protein structure and function (SIFT, PolyPhen-2, Align-GVGD) all suggest that this variant is likely to be disruptive. This variant has not been reported in the literature in individuals affected with ALK-related conditions. This variant is not present in population databases (gnomAD no frequency). This sequence change replaces proline, which is neutral and non-polar, with leucine, which is neutral and non-polar, at codon 693 of the ALK protein (p.Pro693Leu).

NM_004304.5(ALK):c.2078C>T (p.Pro693Leu)

Gene: ALK (ALK receptor tyrosine kinase; minus strand). Cytogenetic location: 2p23.2.
Variant type: single nucleotide variant.
Coding change: c.2078C>T on transcript NM_004304.5 (MANE Select); coding-DNA position 2078, C replaced by T.
Protein change: p.Pro693Leu; replaces proline 693 with leucine.
Molecular consequence: missense variant.
Genome position (GRCh38, 1-based): chr2:29,251,231, G>A on the plus strand (C>T on the coding strand, the complement: ALK is on the minus strand). VCF-style: chr2-29251231-G-A. GRCh37 (hg19) VCF-style: chr2-29474097-G-A.
Other names: short protein forms P693L.
Identifiers: ClinVar variation 1463691 (VCV001463691.6), dbSNP rs2148197596, ClinGen allele CA346477134.
Genomic context (GRCh38, chr2:29,251,231, plus strand): 5'-TCCACGCTCAGGTTGGAGTTCTGGTAGGCGTTGTTGCACTGTGCCTGGGTGGGGCCATGG[G>A]GCCCGCTGGCCCCACATGTGGTGAACAGCCAATGAACTGTGGCACAAGAGGAGAGGCAGT-3'
Protein context (NP_004295.2, residues 683-703): WLFTTCGASG[Pro693Leu]HGPTQAQCNN